The following is an entry in ClinVar:

ClinVar aggregate classification (germline): Uncertain significance. Review status: criteria provided, multiple submitters, no conflicts (2 of 4 stars). 3 submissions from 3 submitters: Uncertain significance (3). Last evaluated 2026-08-11.

Conditions:
Infantile nephronophthisis (NPHP2). Also called: Nephronophthisis 2; Nephronophthisis 2, infantile. Identifiers: Orphanet 655, Orphanet 93591, MedGen C1865872, MONDO:0011190, OMIM 602088.
Nephronophthisis. Also called: Juvenile Nephronophthisis. Identifiers: Orphanet 655, MedGen C0687120, MONDO:0019005, HP:0000090.
INVS-related disorder. Also called: INVS-related condition.

Allele frequency attached by ClinVar (database versions not stated): gnomAD exomes below 0.00001; ExAC 0.00001.
gnomAD v4.1: 2 of 1,613,842 alleles (0.00012%); highest among the groups gnomAD compares: Admixed American, 0.0033%; no homozygotes.

Submissions (3):

PreventionGenetics, part of Exact Sciences
Classification: Uncertain significance for INVS-related condition. Last evaluated: 2026-08-11. Review status: criteria provided, single submitter. Criteria: ACMG Guidelines, 2015. Collection method: clinical testing. Allele origin: germline.
Comment: The INVS c.1345C>T variant is predicted to result in the amino acid substitution p.Pro449Ser. To our knowledge, this variant has not been reported in the literature. This variant is reported in 0.0029% of alleles in individuals of Latino descent in gnomAD. At this time, the clinical significance of this variant is uncertain due to the absence of conclusive functional and genetic evidence.

Labcorp Genetics (formerly Invitae), Labcorp
Classification: Uncertain significance for Nephronophthisis. Last evaluated: 2024-09-16. Review status: criteria provided, single submitter. Criteria: Invitae Variant Classification Sherloc (09022015). Collection method: clinical testing. Allele origin: germline.
Comment: This sequence change replaces proline, which is neutral and non-polar, with serine, which is neutral and polar, at codon 449 of the INVS protein (p.Pro449Ser). This variant is present in population databases (rs753443905, gnomAD 0.003%). This variant has not been reported in the literature in individuals affected with INVS-related conditions. ClinVar contains an entry for this variant (Variation ID: 1432443). An algorithm developed to predict the effect of missense changes on protein structure and function (PolyPhen-2) suggests that this variant is likely to be disruptive. In summary, the available evidence is currently insufficient to determine the role of this variant in disease. Therefore, it has been classified as a Variant of Uncertain Significance.

Fulgent Genetics
Classification: Uncertain significance for Infantile nephronophthisis. Last evaluated: 2024-03-04. Review status: criteria provided, single submitter. Criteria: ACMG Guidelines, 2015. Collection method: clinical testing. Allele origin: germline.

NM_014425.5(INVS):c.1345C>T (p.Pro449Ser)

Gene: INVS (inversin; plus strand). Cytogenetic location: 9q31.1.
Variant type: single nucleotide variant.
Coding change: c.1345C>T on transcript NM_014425.5 (MANE Select); coding-DNA position 1345, C replaced by T.
Protein change: p.Pro449Ser; replaces proline 449 with serine.
Molecular consequence: missense variant. On other transcripts: non-coding transcript variant (1).
Genome position (GRCh38, 1-based): chr9:100,253,017, C>T. VCF-style: chr9-100253017-C-T. GRCh37 (hg19) VCF-style: chr9-103015299-C-T.
Other names: c.1057C>T, p.Pro353Ser (NM_001318381.2); c.367C>T, p.Pro123Ser (NM_001318382.2); c.1345C>T (NM_014425.4); short protein forms P123S, P353S, P449S.
Identifiers: ClinVar variation 1432443 (VCV001432443.7), dbSNP rs753443905, ClinGen allele CA5158377.